The following is an entry in ClinVar:

NM_004172.5(SLC1A3):c.1505T>C (p.Leu502Pro)

Genes: SLC1A3 (solute carrier family 1 member 3; plus strand), SLC1A3-AS1 (SLC1A3 antisense RNA 1; minus strand). Cytogenetic location: 5p13.2.
Variant type: single nucleotide variant.
Coding change: c.1505T>C on transcript NM_004172.5 (MANE Select); coding-DNA position 1505, T replaced by C.
Protein change: p.Leu502Pro; replaces leucine 502 with proline.
Molecular consequence: missense variant.
Genome position (GRCh38, 1-based): chr5:36,686,145, T>C. VCF-style: chr5-36686145-T-C. GRCh37 (hg19) VCF-style: chr5-36686247-T-C.
Other names: c.1370T>C, p.Leu457Pro (NM_001166695.3); c.1367T>C, p.Leu456Pro (NM_001289939.2); c.1169T>C, p.Leu390Pro (NM_001289940.2); short protein forms L390P, L456P, L457P, L502P.
Identifiers: ClinVar variation 3234557 (VCV003234557.20), dbSNP rs2478191848, ClinGen allele CA359610166.

ClinVar aggregate classification (germline): Uncertain significance (1 of 4 stars; one submission).

Allele frequency attached by ClinVar (database versions not stated): gnomAD exomes below 0.00001.
gnomAD v4.1: 2 of 1,614,080 alleles (0.00012%); highest among the groups gnomAD compares: Non-Finnish European, 0.00017%; no homozygotes.

Submission:

CeGaT Center for Human Genetics Tuebingen
Classification: Uncertain significance. Last evaluated: 2024-04-01. Review status: criteria provided, single submitter. Criteria: CeGaT Center For Human Genetics Tuebingen Variant Classification Criteria Version 2. Collection method: clinical testing. Allele origin: germline. Affected: yes. Observed: 1 variant allele.
Comment: SLC1A3: PM2